The following is an entry in ClinVar:

NM_003611.3(OFD1):c.1654+4A>G

Gene: OFD1 (OFD1 centriole and centriolar satellite protein; plus strand). Cytogenetic location: Xp22.2.
Variant type: single nucleotide variant.
Coding change: c.1654+4A>G on transcript NM_003611.3 (MANE Select); 4 bases into the intron after coding-DNA position 1654, A replaced by G.
Molecular consequence: intron variant.
Genome position (GRCh38, 1-based): chrX:13,758,452, A>G. VCF-style: chrX-13758452-A-G. GRCh37 (hg19) VCF-style: chrX-13776571-A-G.
Other names: c.1234+4A>G (NM_001330210.2); c.1654+4A>G (NM_001440947.1); c.1534+4A>G (NM_001330209.2, NM_001440948.1).
Identifiers: ClinVar variation 4792347 (VCV004792347.1).
Genomic context (GRCh38, chrX:13,758,452, plus strand): 5'-AGAGTTTAACTACTCAGGTTGCCGATTTAAAATTGCAACTGAAGCAAACTCAGACAGGTT[A>G]GAGACGTTTTAACCCATAAATATTTTTGTATGTATAAAGCTTCTGGTGTCTGTGAAAATG-3'

ClinVar aggregate classification (germline): Uncertain significance (1 of 4 stars; one submission).

Conditions:
Joubert syndrome. Also called: Familial aplasia of the vermis; JOUBERT-BOLTSHAUSER SYNDROME; CEREBELLOPARENCHYMAL DISORDER IV. Identifiers: Orphanet 475, MedGen C5979921, MONDO:0018772.
Orofaciodigital syndrome I (OFD1). Also called: Papillon-Leage and Psaume Syndrome; OFDS I; Oral-Facial-Digital Syndrome Type I. Identifiers: Orphanet 2750, MedGen C1510460, MONDO:0010702, OMIM 311200.

Submission:

Labcorp Genetics (formerly Invitae), Labcorp
Classification: Uncertain significance for Orofaciodigital syndrome I; Joubert syndrome. Last evaluated: 2025-03-09. Review status: criteria provided, single submitter. Criteria: Invitae Variant Classification Sherloc (09022015). Collection method: clinical testing. Allele origin: germline.
Comment: This sequence change falls in intron 15 of the OFD1 gene. It does not directly change the encoded amino acid sequence of the OFD1 protein. It affects a nucleotide within the consensus splice site. This variant is not present in population databases (gnomAD no frequency). This variant has not been reported in the literature in individuals affected with OFD1-related conditions. Variants that disrupt the consensus splice site are a relatively common cause of aberrant splicing (PMID: 17576681, 9536098). Algorithms developed to predict the effect of sequence changes on RNA splicing suggest that this variant is not likely to affect RNA splicing. In summary, the available evidence is currently insufficient to determine the role of this variant in disease. Therefore, it has been classified as a Variant of Uncertain Significance.

Literature cited by the submitters: PubMed 17576681; PubMed 9536098.